The following is an entry in ClinVar:

ClinVar aggregate classification (germline): Uncertain significance. Review status: criteria provided, multiple submitters, no conflicts (2 of 4 stars). 6 submissions from 6 submitters: Uncertain significance (5). 1 of the submissions does not count toward it. Last evaluated 2024-04-30.

Conditions:
Hereditary cancer-predisposing syndrome. Also called: Hereditary neoplastic syndrome; Neoplastic Syndromes, Hereditary; Tumor predisposition; Hereditary Cancer Syndrome. Identifiers: Orphanet 140162, MedGen C0027672, MeSH D009386, MONDO:0015356.
Aplastic anemia. Identifiers: Orphanet 182040, Orphanet 88, MedGen C0002874, MONDO:0015909, OMIM 609135, HP:0001915.
Microcephaly, normal intelligence and immunodeficiency (NBS). Also called: IMMUNODEFICIENCY, MICROCEPHALY, AND CHROMOSOMAL INSTABILITY; SEEMANOVA SYNDROME II; Nijmegen breakage syndrome; Microcephaly with normal intelligence immunodeficiency and lymphoreticular malignancies; Nonsyndromal microcephaly autosomal recessive with normal intelligence; Seemanova syndrome 2. Identifiers: Orphanet 647, MedGen C0398791, MONDO:0009623, OMIM 251260.

gnomAD v4.1: 1 of 1,614,042 alleles (0.000062%); no homozygotes.

Submissions (6):

Labcorp Genetics (formerly Invitae), Labcorp
Classification: Uncertain significance for Microcephaly, normal intelligence and immunodeficiency. Last evaluated: 2024-04-30. Review status: criteria provided, single submitter. Criteria: Invitae Variant Classification Sherloc (09022015). Collection method: clinical testing. Allele origin: germline.
Comment: This sequence change replaces methionine, which is neutral and non-polar, with valine, which is neutral and non-polar, at codon 83 of the NBN protein (p.Met83Val). This variant is not present in population databases (gnomAD no frequency). This variant has not been reported in the literature in individuals affected with NBN-related conditions. ClinVar contains an entry for this variant (Variation ID: 481870). Algorithms developed to predict the effect of missense changes on protein structure and function output the following: SIFT: "Not Available"; PolyPhen-2: "Benign"; Align-GVGD: "Not Available". The valine amino acid residue is found in multiple mammalian species, which suggests that this missense change does not adversely affect protein function. In summary, the available evidence is currently insufficient to determine the role of this variant in disease. Therefore, it has been classified as a Variant of Uncertain Significance.

Baylor Genetics
Classification: Uncertain significance for Aplastic anemia. Last evaluated: 2024-03-14. Review status: criteria provided, single submitter. Criteria: ACMG Guidelines, 2015. Collection method: clinical testing. Allele origin: unknown.

Ambry Genetics
Classification: Uncertain significance for Hereditary cancer-predisposing syndrome. Last evaluated: 2024-03-10. Review status: criteria provided, single submitter. Criteria: Ambry Variant Classification Scheme 2023. Collection method: clinical testing. Allele origin: germline.
Comment: The p.M83V variant (also known as c.247A>G), located in coding exon 3 of the NBN gene, results from an A to G substitution at nucleotide position 247. The methionine at codon 83 is replaced by valine, an amino acid with highly similar properties. This amino acid position is not well conserved in available vertebrate species. In addition, this alteration is predicted to be tolerated by in silico analysis. Since supporting evidence is limited at this time, the clinical significance of this alteration remains unclear.

Genome-Nilou Lab
Classification: Uncertain significance for Microcephaly, normal intelligence and immunodeficiency. Last evaluated: 2021-11-07. Review status: criteria provided, single submitter. Criteria: ACMG Guidelines, 2015. Collection method: clinical testing. Allele origin: germline. Affected: no.

Quest Diagnostics Nichols Institute San Juan Capistrano
Classification: Uncertain significance. Last evaluated: 2020-04-12. Review status: criteria provided, single submitter. Criteria: Quest Diagnostics criteria. Collection method: clinical testing. Allele origin: unknown.

Natera, Inc.
Classification: Uncertain significance for Nijmegen breakage syndrome. Last evaluated: 2020-09-16. Review status: no assertion criteria provided. Collection method: clinical testing. Allele origin: germline. Not counted in ClinVar's aggregate classification.

NM_002485.5(NBN):c.247A>G (p.Met83Val)

Gene: NBN (nibrin; minus strand). Cytogenetic location: 8q21.3.
Variant type: single nucleotide variant.
Coding change: c.247A>G on transcript NM_002485.5 (MANE Select); coding-DNA position 247, A replaced by G.
Protein change: p.Met83Val; replaces methionine 83 with valine.
Molecular consequence: missense variant. On other transcripts: initiator codon variant (1).
Genome position (GRCh38, 1-based): chr8:89,981,448, T>C on the plus strand (A>G on the coding strand, the complement: NBN is on the minus strand). VCF-style: chr8-89981448-T-C. GRCh37 (hg19) VCF-style: chr8-90993676-T-C.
Other names: c.1A>G, p.Met1Val (NM_001024688.3); short protein forms M83V, M1V.
Identifiers: ClinVar variation 481870 (VCV000481870.24), dbSNP rs955258267, ClinGen allele CA371662485.